The following is an entry in ClinVar:

NM_152564.5(VPS13B):c.7549G>A (p.Val2517Ile)

Gene: VPS13B (vacuolar protein sorting 13 homolog B; plus strand). Cytogenetic location: 8q22.2.
Variant type: single nucleotide variant.
Coding change: c.7549G>A on transcript NM_152564.5 (MANE Select); coding-DNA position 7549, G replaced by A.
Protein change: p.Val2517Ile; replaces valine 2517 with isoleucine.
Molecular consequence: missense variant.
Genome position (GRCh38, 1-based): chr8:99,778,801, G>A. VCF-style: chr8-99778801-G-A. GRCh37 (hg19) VCF-style: chr8-100791029-G-A.
Other names: c.7624G>A, p.Val2542Ile (NM_017890.5); short protein forms V2517I, V2542I.
Identifiers: ClinVar variation 1365263 (VCV001365263.6), dbSNP rs946554822, ClinGen allele CA183042205.

ClinVar aggregate classification (germline): Uncertain significance (1 of 4 stars; one submission).

Conditions:
Cohen syndrome (COH1). Also called: PEPPER SYNDROME; Cutis verticis gyrata, retinitis pigmentosa, and sensorineural deafness. Identifiers: Orphanet 193, MedGen C0265223, MONDO:0008999, OMIM 216550.

Allele frequency attached by ClinVar (database versions not stated): gnomAD exomes below 0.00001.
gnomAD v4.1: 2 of 1,613,988 alleles (0.00012%); highest among the groups gnomAD compares: South Asian, 0.0011%; no homozygotes.

Submission:

Labcorp Genetics (formerly Invitae), Labcorp
Classification: Uncertain significance for Cohen syndrome. Last evaluated: 2022-06-18. Review status: criteria provided, single submitter. Criteria: Invitae Variant Classification Sherloc (09022015). Collection method: clinical testing. Allele origin: germline.
Comment: This sequence change replaces valine, which is neutral and non-polar, with isoleucine, which is neutral and non-polar, at codon 2542 of the VPS13B protein (p.Val2542Ile). This variant is not present in population databases (gnomAD no frequency). This variant has not been reported in the literature in individuals affected with VPS13B-related conditions. Algorithms developed to predict the effect of missense changes on protein structure and function output the following: SIFT: "Not Available"; PolyPhen-2: "Benign"; Align-GVGD: "Not Available". The isoleucine amino acid residue is found in multiple mammalian species, which suggests that this missense change does not adversely affect protein function. In summary, the available evidence is currently insufficient to determine the role of this variant in disease. Therefore, it has been classified as a Variant of Uncertain Significance.